The following is an entry in ClinVar:

NM_138576.4(BCL11B):c.1834G>A (p.Glu612Lys)

Gene: BCL11B (BCL11 transcription factor B; minus strand). Cytogenetic location: 14q32.2.
Variant type: single nucleotide variant.
Coding change: c.1834G>A on transcript NM_138576.4 (MANE Select); coding-DNA position 1834, G replaced by A.
Protein change: p.Glu612Lys; replaces glutamic acid 612 with lysine.
Molecular consequence: missense variant.
Genome position (GRCh38, 1-based): chr14:99,175,002, C>T on the plus strand (G>A on the coding strand, the complement: BCL11B is on the minus strand). VCF-style: chr14-99175002-C-T. GRCh37 (hg19) VCF-style: chr14-99641339-C-T.
Other names: c.1831G>A, p.Glu611Lys (NM_001282237.2); c.1618G>A, p.Glu540Lys (NM_001282238.2); c.1621G>A, p.Glu541Lys (NM_022898.3); short protein forms E540K, E612K, E541K, E611K.
Identifiers: ClinVar variation 3676904 (VCV003676904.2).

ClinVar aggregate classification (germline): Uncertain significance (1 of 4 stars; one submission).

gnomAD v4.1: 3 of 1,587,144 alleles (0.00019%); highest among the groups gnomAD compares: Admixed American, 0.0017%; no homozygotes.

Submission:

Labcorp Genetics (formerly Invitae), Labcorp
Classification: Uncertain significance. Last evaluated: 2024-05-31. Review status: criteria provided, single submitter. Criteria: Invitae Variant Classification Sherloc (09022015). Collection method: clinical testing. Allele origin: germline.
Comment: This sequence change replaces glutamic acid, which is acidic and polar, with lysine, which is basic and polar, at codon 612 of the BCL11B protein (p.Glu612Lys). This variant is present in population databases (no rsID available, gnomAD 0.003%). This variant has not been reported in the literature in individuals affected with BCL11B-related conditions. Advanced modeling of protein sequence and biophysical properties (such as structural, functional, and spatial information, amino acid conservation, physicochemical variation, residue mobility, and thermodynamic stability) performed at Invitae indicates that this missense variant is not expected to disrupt BCL11B protein function with a negative predictive value of 80%. In summary, the available evidence is currently insufficient to determine the role of this variant in disease. Therefore, it has been classified as a Variant of Uncertain Significance.